The following is an entry in ClinVar:

NM_020458.4(TTC7A):c.1633G>A (p.Val545Ile)

Gene: TTC7A (tetratricopeptide repeat domain 7A; plus strand). Cytogenetic location: 2p21.
Variant type: single nucleotide variant.
Coding change: c.1633G>A on transcript NM_020458.4 (MANE Select); coding-DNA position 1633, G replaced by A.
Protein change: p.Val545Ile; replaces valine 545 with isoleucine.
Molecular consequence: missense variant.
Genome position (GRCh38, 1-based): chr2:47,024,351, G>A. VCF-style: chr2-47024351-G-A. GRCh37 (hg19) VCF-style: chr2-47251490-G-A.
Other names: c.1633G>A, p.Val545Ile (NM_001288951.2, LRG_1323t1); c.1531G>A, p.Val511Ile (NM_001288953.2); c.571G>A, p.Val191Ile (NM_001288955.2); c.1633G>A (NM_020458.2); short protein forms V545I, V511I, V191I.
Identifiers: ClinVar variation 528460 (VCV000528460.17), dbSNP rs6755258, ClinGen allele CA1647774.

ClinVar aggregate classification (germline): Conflicting classifications of pathogenicity. Review status: criteria provided, conflicting classifications (1 of 4 stars). 5 submissions from 4 submitters: Uncertain significance (4); Likely benign (1). Last evaluated 2026-06-28.

Conditions:
Inborn genetic diseases. Identifiers: MedGen C0950123, MeSH D030342.
Gastrointestinal defects and immunodeficiency syndrome 1 (GIDID1). Also called: Combined immunodeficiency-enteropathy spectrum. Identifiers: Orphanet 436252, MedGen C5968858, MONDO:0800030, OMIM 243150.
Multiple gastrointestinal atresias. Also called: Multiple intestinal atresia; FAMILIAL INTESTINAL POLYATRESIA SYNDROME. Identifiers: Orphanet 2300, MedGen C0220744, MONDO:0009465.

Allele frequency attached by ClinVar (database versions not stated): 1000 Genomes Project 0.00020; gnomAD exomes 0.00022 and 0.00009; ExAC 0.00023; 1000 Genomes Project 30x 0.00031; gnomAD 0.00066 and 0.00076; TOPMed 0.00071; ESP Exome Variant Server 0.00077.
gnomAD v4.1: 233 of 1,605,468 alleles (0.015%); highest among the groups gnomAD compares: African/African-American, 0.23%; no homozygotes.

Submissions (5):

Ambry Genetics
Classification: Uncertain significance for Inborn genetic diseases. Last evaluated: 2026-06-28. Review status: criteria provided, single submitter. Criteria: Ambry Variant Classification Scheme 2023. Collection method: clinical testing. Allele origin: germline.

Labcorp Genetics (formerly Invitae), Labcorp
Classification: Likely benign for Multiple gastrointestinal atresias. Last evaluated: 2026-01-24. Review status: criteria provided, single submitter. Criteria: Invitae Variant Classification Sherloc (09022015). Collection method: clinical testing. Allele origin: germline.

GeneDx
Classification: Uncertain significance. Last evaluated: 2026-01-23. Review status: criteria provided, single submitter. Criteria: GeneDx Variant Classification Process June 2021. Collection method: clinical testing. Allele origin: germline.
Comment: In silico analysis suggests that this missense variant does not alter protein structure/function; Has not been previously published as pathogenic or benign to our knowledge

Center for Genomics, Ann and Robert H. Lurie Children's Hospital of Chicago
Classification: Uncertain significance for Gastrointestinal defects and immunodeficiency syndrome 1. Last evaluated: 2021-03-30. Review status: criteria provided, single submitter. Criteria: ACMG Guidelines, 2015. Collection method: clinical testing. Allele origin: germline.
Comment: TTC7A NM_020458.3 exon 14 p.Val545Ile (c.1633G>A): This variant has not been reported in the literature but is present in 0.2% (57/24038) of African alleles in the Genome Aggregation Database. This variant is present in ClinVar (Variation ID:528460). This variant amino acid Isoleucine (Ile) is present in 3 species (Chimp, White Rhino, Opossum) and is not well conserved among evolutionarily distant species; this suggests that this variant may not impact the protein. Additional computational prediction tools do not suggest an impact. In summary, data on this variant is insufficient for disease classification. Therefore, the clinical significance of this variant is uncertain.

Center for Genomics, Ann and Robert H. Lurie Children's Hospital of Chicago
Classification: Uncertain significance for Gastrointestinal defects and immunodeficiency syndrome 1. Last evaluated: 2020-08-03. Review status: criteria provided, single submitter. Criteria: ACMG Guidelines, 2015. Collection method: clinical testing. Allele origin: germline.
Comment: the same text as in the submission from Center for Genomics, Ann and Robert H. Lurie Children's Hospital of Chicago above.